The following is an entry in ClinVar:

ClinVar aggregate classification (germline): Pathogenic/Likely pathogenic. Review status: criteria provided, multiple submitters, no conflicts (2 of 4 stars). 6 submissions from 6 submitters: Pathogenic (2); Likely pathogenic (4). Last evaluated 2025-04-07.

Conditions:
Isovaleryl-CoA dehydrogenase deficiency (IVA). Also called: Isovaleric acidemia; ISOVALERIC ACID CoA DEHYDROGENASE DEFICIENCY; IVD DEFICIENCY; Classic Isovaleric Acidemia. Identifiers: Orphanet 33, MedGen C0268575, MONDO:0009475, OMIM 243500.

Allele frequency attached by ClinVar (database versions not stated): ExAC 0.00001; gnomAD exomes 0.00001 and 0.00002; gnomAD 0.00002; TOPMed 0.00002.
gnomAD v4.1: 13 of 1,614,040 alleles (0.00081%); highest among the groups gnomAD compares: African/African-American, 0.0053%; no homozygotes.

Submissions (6):

Natera, Inc.
Classification: Likely pathogenic for Isovaleryl-coa dehydrogenase deficiency. Last evaluated: 2025-04-07. Review status: criteria provided, single submitter. Criteria: Natera Variant Classification Schema (03/2026). Collection method: clinical testing. Allele origin: germline.
Comment: The c.214G>A variant in IVD is a missense variant predicted to cause substitution of aspartic acid to asparagine at amino acid 72. This variant is rare in the general population with a frequency below the threshold expected for the associated phenotype(s). This variant has been observed in one or more individuals affected with the associated recessive disease, as either homozygous or compound heterozygous with a second variant (PMID: 9665741, 34394177). Functional studies show that this variant may disrupt protein function (PMID: 10677295). Computational prediction algorithms indicate this variant is likely to affect gene or protein function. Given the available evidence, this variant is classified as Likely Pathogenic.

Fulgent Genetics
Classification: Likely pathogenic for Isovaleryl-CoA dehydrogenase deficiency. Last evaluated: 2024-05-11. Review status: criteria provided, single submitter. Criteria: ACMG Guidelines, 2015. Collection method: clinical testing. Allele origin: germline.

Labcorp Genetics (formerly Invitae), Labcorp
Classification: Pathogenic for Isovaleryl-CoA dehydrogenase deficiency. Last evaluated: 2023-12-31. Review status: criteria provided, single submitter. Criteria: Invitae Variant Classification Sherloc (09022015). Collection method: clinical testing. Allele origin: germline.
Comment: This sequence change replaces aspartic acid, which is acidic and polar, with asparagine, which is neutral and polar, at codon 72 of the IVD protein (p.Asp72Asn). This variant is present in population databases (rs747273828, gnomAD 0.02%). This missense change has been observed in individuals with isovaleric acidemia (PMID: 9665741, 31442447, 32505769; Invitae). This variant is also known as Asp40Asn. ClinVar contains an entry for this variant (Variation ID: 1321422). An algorithm developed to predict the effect of missense changes on protein structure and function (PolyPhen-2) suggests that this variant is likely to be disruptive. Experimental studies have shown that this missense change affects IVD function (PMID: 31442447). For these reasons, this variant has been classified as Pathogenic.

Baylor Genetics
Classification: Likely pathogenic for Isovaleryl-CoA dehydrogenase deficiency. Last evaluated: 2023-10-22. Review status: criteria provided, single submitter. Criteria: ACMG Guidelines, 2015. Collection method: clinical testing. Allele origin: unknown.

Women's Health and Genetics/Laboratory Corporation of America, LabCorp
Classification: Pathogenic for Isovaleryl-CoA dehydrogenase deficiency. Last evaluated: 2023-04-10. Review status: criteria provided, single submitter. Criteria: LabCorp Variant Classification Summary - May 2015. Collection method: clinical testing. Allele origin: germline.
Comment: Variant summary: IVD c.205G>A (p.Asp69Asn in NM_002225.5, also known as c.214G>A in NM_002225.3) results in a conservative amino acid change in the encoded protein sequence. Four of five in-silico tools predict a damaging effect of the variant on protein function. 4/4 computational tools predict no significant impact on normal splicing. However, at least one publication reports experimental evidence that this variant affects mRNA splicing (Vockley_2000). The variant allele was found at a frequency of 2.4e-05 in 251476 control chromosomes. c.205G>A has been reported in the literature in individuals affected with Isovaleryl-CoA Dehydrogenase Deficiency (Mohsen_1998, Li_2019, Yang_2019, Lin_2019). These data indicate that the variant is likely to be associated with disease. At least one publication reports experimental evidence evaluating an impact on protein function. The most pronounced variant effect results in <10% of normal activity (Mohsen_1998). No clinical diagnostic laboratories have submitted clinical-significance assessments for this variant to ClinVar after 2014. Based on the evidence outlined above, the variant was classified as pathogenic.

Juno Genomics, Hangzhou Juno Genomics, Inc
Classification: Likely pathogenic for Isovaleryl-CoA dehydrogenase deficiency. Review status: criteria provided, single submitter. Criteria: ACMG Guidelines, 2015. Collection method: clinical testing. Allele origin: germline.
Comment: Absent from controls (or at extremely low frequency if recessive) in Genome Aggregation Database.;Well-established in vitro or in vivo functional studies supportive of a damaging effect on the gene or gene product.;Patient's phenotype or family history is highly specific for a disease with a single genetic etiology.

Literature cited by the submitters: PubMed 9665741 (cited by 3 submitters); PubMed 34394177 (cited by Natera, Inc.); PubMed 10677295 (cited by Natera, Inc. and Women's Health and Genetics/Laboratory Corporation of America, LabCorp); PubMed 31442447 (cited by Labcorp Genetics (formerly Invitae), Labcorp and Women's Health and Genetics/Laboratory Corporation of America, LabCorp); PubMed 32505769 (cited by Labcorp Genetics (formerly Invitae), Labcorp); PubMed 30904546 (cited by Women's Health and Genetics/Laboratory Corporation of America, LabCorp); PubMed 30838026 (cited by Women's Health and Genetics/Laboratory Corporation of America, LabCorp).

NM_002225.5(IVD):c.205G>A (p.Asp69Asn)

Gene: IVD (isovaleryl-CoA dehydrogenase; plus strand). Cytogenetic location: 15q15.1.
Variant type: single nucleotide variant.
Coding change: c.205G>A on transcript NM_002225.5 (MANE Select); coding-DNA position 205, G replaced by A.
Protein change: p.Asp69Asn; replaces aspartic acid 69 with asparagine.
Molecular consequence: missense variant. On other transcripts: non-coding transcript variant (1), intron variant (1).
Genome position (GRCh38, 1-based): chr15:40,407,696, G>A. VCF-style: chr15-40407696-G-A. GRCh37 (hg19) VCF-style: chr15-40699897-G-A.
Other names: c.157G>A, p.Asp53Asn (NM_001354597.3); c.205G>A, p.Asp69Asn (NM_001354598.3, NM_001354599.3, NM_001354600.3 and 1 more transcripts); c.145-243G>A (NM_001159508.3); short protein forms D53N, D69N.
Identifiers: ClinVar variation 1321422 (VCV001321422.12), dbSNP rs747273828, ClinGen allele CA312656.